The following is an entry in ClinVar:

ClinVar aggregate classification (germline): Uncertain significance. Review status: criteria provided, multiple submitters, no conflicts (2 of 4 stars). 2 submissions from 2 submitters: Uncertain significance (2). Last evaluated 2024-12-06.

Allele frequency attached by ClinVar (database versions not stated): gnomAD 0.00008 and 0.00009; gnomAD exomes 0.00004 and 0.00006; TOPMed 0.00006; ExAC 0.00008.
gnomAD v4.1: 80 of 1,613,394 alleles (0.005%); highest among the groups gnomAD compares: South Asian, 0.02%; no homozygotes.

Submissions (2):

Labcorp Genetics (formerly Invitae), Labcorp
Classification: Uncertain significance. Last evaluated: 2024-12-06. Review status: criteria provided, single submitter. Criteria: Invitae Variant Classification Sherloc (09022015). Collection method: clinical testing. Allele origin: germline.
Comment: This sequence change replaces arginine, which is basic and polar, with cysteine, which is neutral and slightly polar, at codon 600 of the C6 protein (p.Arg600Cys). This variant is present in population databases (rs756691542, gnomAD 0.01%). This variant has not been reported in the literature in individuals affected with C6-related conditions. ClinVar contains an entry for this variant (Variation ID: 1439997). An algorithm developed to predict the effect of missense changes on protein structure and function (PolyPhen-2) suggests that this variant¬†is likely to be tolerated. In summary, the available evidence is currently insufficient to determine the role of this variant in disease. Therefore, it has been classified as a Variant of Uncertain Significance.

Blueprint Genetics
Classification: Uncertain significance. Last evaluated: 2024-11-07. Review status: criteria provided, single submitter. Criteria: ACMG Guidelines, 2015. Collection method: clinical testing. Allele origin: germline.

NM_000065.5(C6):c.1798C>T (p.Arg600Cys)

Gene: C6 (complement C6; minus strand). Cytogenetic location: 5p13.1.
Variant type: single nucleotide variant.
Coding change: c.1798C>T on transcript NM_000065.5 (MANE Select); coding-DNA position 1798, C replaced by T.
Protein change: p.Arg600Cys; replaces arginine 600 with cysteine.
Molecular consequence: missense variant.
Genome position (GRCh38, 1-based): chr5:41,159,140, G>A on the plus strand (C>T on the coding strand, the complement: C6 is on the minus strand). VCF-style: chr5-41159140-G-A. GRCh37 (hg19) VCF-style: chr5-41159242-G-A.
Other names: c.1798C>T, p.Arg600Cys (NM_001115131.4); short protein forms R600C.
Identifiers: ClinVar variation 1439997 (VCV001439997.5), dbSNP rs756691542, ClinGen allele CA3252335.
Genomic context (GRCh38, chr5:41,159,140, plus strand): 5'-ACTTGTTTTCCATGATTGAAAATGTGCAGTCTTCCTCTTGTCGCTTCTCCCCCTCACAGC[G>A]TTTCCCTCCTCGTTGGGGGGCAGGATTATTGCATTCTCGGGTTCTCGATCTCTTATAAGT-3'
Protein context (NP_000056.2, residues 590-610): NNPAPQRGGK[Arg600Cys]CEGEKRQEED